The following is an entry in ClinVar:

ClinVar aggregate classification (germline): Uncertain significance (1 of 4 stars; one submission).

Conditions:
Autosomal dominant nonsyndromic hearing loss 3B. Identifiers: Orphanet 90635, MedGen C2675237, MONDO:0012975, OMIM 612643.
Autosomal recessive nonsyndromic hearing loss 1B. Also called: DEAFNESS, AUTOSOMAL RECESSIVE 1B. Identifiers: Orphanet 90636, MedGen C2675235, MONDO:0012977, OMIM 612645.
Hidrotic ectodermal dysplasia syndrome (GJB6). Also called: CLOUSTON HIDROTIC ECTODERMAL DYSPLASIA; Ectodermal dysplasia 2, hidrotic; Autosomal dominant hidrotic ectodermal dysplasia; Clouston syndrome; Clouston's hidrotic ectodermal dysplasia; ECTODERMAL DYSPLASIA 2, CLOUSTON TYPE. Identifiers: Orphanet 189, MedGen C0162361, MONDO:0007510, OMIM 129500.
Autosomal recessive nonsyndromic hearing loss 1A (DFNB1A). Also called: GJB2-Related Autosomal Recessive Nonsyndromic Hearing Loss; GJB6-Related DFNB 1 Nonsyndromic Hearing Loss and Deafness; Deafness, autosomal recessive 1A; Connexin 26 deafness; Deafness nonsyndromic, Connexin 26 linked; Nonsyndromic Hearing Loss and Deafness, DFNB1. Identifiers: Orphanet 90636, MedGen C2673759, MONDO:0009076, OMIM 220290.

Submission:

Labcorp Genetics (formerly Invitae), Labcorp
Classification: Uncertain significance for Deafness, autosomal dominant 3b; Hidrotic ectodermal dysplasia syndrome; Deafness, autosomal recessive 1b; Deafness, autosomal recessive 1A. Last evaluated: 2018-08-01. Review status: criteria provided, single submitter. Criteria: Invitae Variant Classification Sherloc (09022015). Collection method: clinical testing. Allele origin: germline.
Comment: This variant results in a copy number gain of the genomic region encompassing the full coding sequence of the GJB6 gene. The boundaries of this event are unknown as they extend beyond the assayed region for this gene and therefore may encompass additional genes. As the precise location of this event is unknown, it may be in tandem or it may be located elsewhere in the genome. This variant has not been reported in the literature in individuals with a GJB6-related disease. Experimental studies are not available for this variant, and the functional significance of a copy number gain of this gene is currently unknown. In summary, the available evidence is currently insufficient to determine the role of this variant in disease. Therefore, it has been classified as a Variant of Uncertain Significance.

NC_000013.10:g.(?_20716100)_(21398980_?)dup

Genes: GJA3 (gap junction protein alpha 3; minus strand), MIR4499 (microRNA 4499; minus strand), XPO4 (exportin 4; minus strand), CRYL1 (crystallin lambda 1; minus strand), EEF1AKMT1 (EEF1A lysine methyltransferase 1; minus strand) and 29 more. Cytogenetic location: 13q12.11.
Variant type: Duplication.
Identifiers: ClinVar variation 656832 (VCV000656832.1).